The following continues an entry in ClinVar:

NM_004928.3(CFAP410):c.218G>C (p.Arg73Pro)

Gene: CFAP410. ClinVar aggregate classification (germline): Pathogenic/Likely pathogenic. Pathogenic (11); Likely pathogenic (4).

Submissions 14 to 20 of 20:

Broad Center for Mendelian Genomics, Broad Institute of MIT and Harvard
Classification: Likely pathogenic for Retinitis pigmentosa. Last evaluated: 2021-04-01. Review status: criteria provided, single submitter. Criteria: ACMG Guidelines, 2015. Collection method: curation. Allele origin: germline. Inheritance: Autosomal recessive inheritance. Affected: yes.
Comment: Through a review of available evidence we were able to apply the following criteria: PM2, PS3, PP1. Based on this evidence we have classified this variant as Likely pathogenic. If you have any questions about the classification please reach out to the Pierce Lab.

Centre for Mendelian Genomics, University Medical Centre Ljubljana
Classification: Likely pathogenic. Last evaluated: 2019-04-28. Review status: criteria provided, single submitter. Criteria: ACMG Guidelines, 2015. Collection method: clinical testing. Allele origin: unknown. Affected: yes.
Comment: This variant was classified as: Likely pathogenic. The following ACMG criteria were applied in classifying this variant: PP5.

PreventionGenetics, part of Exact Sciences
Classification: Pathogenic for CFAP410-related condition. Last evaluated: 2024-09-10. Review status: no assertion criteria provided. Collection method: clinical testing. Allele origin: germline. Not counted in ClinVar's aggregate classification.
Comment: The CFAP410 c.218G>C variant is predicted to result in the amino acid substitution p.Arg73Pro. This variant has been reported as segregating with disease in both the homozygous and compound heterozygous states in kindreds with Jeune syndrome or cone-rod dystrophy (Table S8, Wheway et al. 2015. PubMed ID: 26167768). This variant has also been reported along with a second CFAP410 variant in large cohort studies of retinal disease (Table S2, Carss et al. 2017. PubMed ID: 28041643; Zhang et al. 2016. PubMed ID: 27596865; Table S1, Lin. 2024. PubMed ID: 38219857). Additionally, this variant has been reported in the homozygous state in two families with axial spondylometaphyseal dysplasia (Wang et al. 2016. PubMed ID: 26974433). Functional studies suggested that p.Arg73Pro is a hypomorphic variant (Wheway et al. 2015. PubMed ID: 26167768). This variant is reported in 0.065% of alleles in individuals of European (Non-Finnish) descent in gnomAD. This variant is interpreted as pathogenic for autosomal recessive CFAP410-related disorders.

Clinical Genetics Laboratory, University Hospital Schleswig-Holstein
Classification: Pathogenic for Retinal dystrophy with or without macular staphyloma; Axial spondylometaphyseal dysplasia. Last evaluated: 2024-03-05. Review status: no assertion criteria provided. Collection method: clinical testing. Allele origin: germline. Affected: yes. Not counted in ClinVar's aggregate classification.

OMIM
Classification: Pathogenic for SPONDYLOMETAPHYSEAL DYSPLASIA, AXIAL. Last evaluated: 2015-08-01. Review status: no assertion criteria provided. Collection method: literature only. Allele origin: germline. Not counted in ClinVar's aggregate classification.

NIHR Bioresource Rare Diseases, University of Cambridge
Classification: Likely pathogenic for Retinitis pigmentosa. Last evaluated: 2015-01-01. Review status: no assertion criteria provided. Collection method: research. Allele origin: unknown. Affected: yes. Observed: 1 variant allele. Not counted in ClinVar's aggregate classification.

NIHR Bioresource Rare Diseases, University of Cambridge
Classification: Likely pathogenic for Cone-rod dystrophy. Last evaluated: 2015-01-01. Review status: no assertion criteria provided. Collection method: research. Allele origin: unknown. Affected: yes. Observed: 1 variant allele. Not counted in ClinVar's aggregate classification.

Literature cited by the submitters: PubMed 26167768 (cited by 8 submitters); PubMed 27596865 (cited by Labcorp Genetics (formerly Invitae), Labcorp and Institute of Human Genetics, Univ. Regensburg, Univ. Regensburg); PubMed 26974433 (cited by 3 submitters); PubMed 28422394 (cited by 3 submitters); PubMed 28041643 (cited by Institute of Human Genetics, Univ. Regensburg, Univ. Regensburg and NIHR Bioresource Rare Diseases, University of Cambridge); PubMed 28771251 (cited by Institute of Human Genetics, Univ. Regensburg, Univ. Regensburg); PubMed 31429209 (cited by Institute of Human Genetics, Univ. Regensburg, Univ. Regensburg); PubMed 31980526 (cited by Institute of Human Genetics, Univ. Regensburg, Univ. Regensburg); PubMed 32036094 (cited by Institute of Human Genetics, Univ. Regensburg, Univ. Regensburg); PubMed 32581362 (cited by Institute of Human Genetics, Univ. Regensburg, Univ. Regensburg); PubMed 32531858 (cited by Institute of Human Genetics, Univ. Regensburg, Univ. Regensburg); PubMed 34795310 (cited by Institute of Human Genetics, Univ. Regensburg, Univ. Regensburg); PubMed 34426522 (cited by Institute of Human Genetics, Univ. Regensburg, Univ. Regensburg); PubMed 35055178 (cited by Institute of Human Genetics, Univ. Regensburg, Univ. Regensburg); PubMed 34906470 (cited by Broad Center for Mendelian Genomics, Broad Institute of MIT and Harvard).